The following is an entry in ClinVar:

NM_001330260.2(SCN8A):c.1421C>G (p.Pro474Arg)

Gene: SCN8A (sodium voltage-gated channel alpha subunit 8; plus strand). Cytogenetic location: 12q13.13.
Variant type: single nucleotide variant.
Coding change: c.1421C>G on transcript NM_001330260.2 (MANE Select); coding-DNA position 1421, C replaced by G.
Protein change: p.Pro474Arg; replaces proline 474 with arginine.
Molecular consequence: missense variant.
Genome position (GRCh38, 1-based): chr12:51,706,501, C>G. VCF-style: chr12-51706501-C-G. GRCh37 (hg19) VCF-style: chr12-52100285-C-G.
Other names: c.1421C>G, p.Pro474Arg (NM_001177984.3, NM_001369788.1, NM_014191.4); short protein forms P474R.
Identifiers: ClinVar variation 3680164 (VCV003680164.2).

ClinVar aggregate classification (germline): Uncertain significance (1 of 4 stars; one submission).

Conditions:
Early-infantile DEE. Also called: Ohtahara syndrome; Early infantile epileptic encephalopathy with suppression bursts; Early infantile epileptic encephalopathy. Identifiers: Orphanet 1934, MedGen C0393706, MONDO:0800491.

Submission:

Labcorp Genetics (formerly Invitae), Labcorp
Classification: Uncertain significance for Early-infantile DEE. Last evaluated: 2024-11-16. Review status: criteria provided, single submitter. Criteria: Invitae Variant Classification Sherloc (09022015). Collection method: clinical testing. Allele origin: germline.
Comment: This sequence change replaces proline, which is neutral and non-polar, with arginine, which is basic and polar, at codon 474 of the SCN8A protein (p.Pro474Arg). This variant is not present in population databases (gnomAD no frequency). This variant has not been reported in the literature in individuals affected with SCN8A-related conditions. Invitae Evidence Modeling of protein sequence and biophysical properties (such as structural, functional, and spatial information, amino acid conservation, physicochemical variation, residue mobility, and thermodynamic stability) indicates that this missense variant is not expected to disrupt SCN8A protein function with a negative predictive value of 95%. In summary, the available evidence is currently insufficient to determine the role of this variant in disease. Therefore, it has been classified as a Variant of Uncertain Significance.